The following is an entry in ClinVar:

NM_058216.3(RAD51C):c.151G>A (p.Gly51Arg)

Gene: RAD51C (RAD51 paralog C; plus strand). Cytogenetic location: 17q22.
Variant type: single nucleotide variant.
Coding change: c.151G>A on transcript NM_058216.3 (MANE Select); coding-DNA position 151, G replaced by A.
Protein change: p.Gly51Arg; replaces glycine 51 with arginine.
Molecular consequence: missense variant. On other transcripts: non-coding transcript variant (2).
Genome position (GRCh38, 1-based): chr17:58,694,936, G>A. VCF-style: chr17-58694936-G-A. GRCh37 (hg19) VCF-style: chr17-56772297-G-A.
Other names: c.151G>A, p.Gly51Arg (NM_002876.4, NM_058217.1); short protein forms G51R.
Identifiers: ClinVar variation 2126574 (VCV002126574.4), dbSNP rs2143717300, ClinGen allele CA400339522.

ClinVar aggregate classification (germline): Uncertain significance (1 of 4 stars; one submission).

Conditions:
Fanconi anemia complementation group O. Also called: RAD51C-Related Fanconi Anemia. Identifiers: Orphanet 84, MedGen C3150653, MONDO:0013248, OMIM 613390.

Submission:

Labcorp Genetics (formerly Invitae), Labcorp
Classification: Uncertain significance for Fanconi anemia complementation group O. Last evaluated: 2022-04-15. Review status: criteria provided, single submitter. Criteria: Invitae Variant Classification Sherloc (09022015). Collection method: clinical testing. Allele origin: germline.
Comment: In summary, the available evidence is currently insufficient to determine the role of this variant in disease. Therefore, it has been classified as a Variant of Uncertain Significance. Algorithms developed to predict the effect of sequence changes on RNA splicing suggest that this variant may disrupt the consensus splice site. Advanced modeling of protein sequence and biophysical properties (such as structural, functional, and spatial information, amino acid conservation, physicochemical variation, residue mobility, and thermodynamic stability) performed at Invitae indicates that this missense variant is expected to disrupt RAD51C protein function. This variant has not been reported in the literature in individuals affected with RAD51C-related conditions. This variant is not present in population databases (gnomAD no frequency). This sequence change replaces glycine, which is neutral and non-polar, with arginine, which is basic and polar, at codon 51 of the RAD51C protein (p.Gly51Arg).